The following is an entry in ClinVar:

NM_000138.5(FBN1):c.2698del (p.Tyr900fs)

Gene: FBN1 (fibrillin 1; minus strand). Cytogenetic location: 15q21.1.
Variant type: Deletion.
Coding change: c.2698del on transcript NM_000138.5 (MANE Select); coding-DNA position 2698, one base deleted (T; older notation c.2698delT).
Protein change: p.Tyr900fs; shifts the reading frame from tyrosine 900.
Molecular consequence: frameshift variant.
Genome position (GRCh38, 1-based): chr15:48,494,234, A deleted on the plus strand (T on the coding strand, the reverse complement: FBN1 is on the minus strand). VCF-style (leftmost placement, unchanged base first): chr15-48494233-TA-T. GRCh37 (hg19) VCF-style: chr15-48786430-TA-T.
Other names: c.2698del, p.Tyr900fs (NM_001406716.1); short protein forms Y900fs.
Identifiers: ClinVar variation 3069212 (VCV003069212.1), dbSNP rs2505568693, ClinGen allele CA2825002275.

ClinVar aggregate classification (germline): Pathogenic (1 of 4 stars; one submission).

Conditions:
Marfan syndrome (MFS). Also called: MARFAN SYNDROME, TYPE I; Marfan syndrome type 1; Marfan's syndrome; Marfan syndrome, classic; FBN1-Related Marfan Syndrome. Identifiers: Orphanet 284963, Orphanet 558, MedGen C0024796, MONDO:0007947, OMIM 154700.

Submission:

All of Us Research Program, National Institutes of Health
Classification: Pathogenic for Marfan syndrome. Last evaluated: 2023-07-19. Review status: criteria provided, single submitter. Criteria: ACMG Guidelines, 2015. Collection method: clinical testing. Allele origin: germline. Inheritance: Autosomal dominant inheritance. Observed: 1 variant allele, 1 heterozygote.
Comment: This variant deletes 1 nucleotide in exon 23 of the FBN1 gene, creating a frameshift and premature translation stop signal. This variant is expected to result in an absent or non-functional protein product. To our knowledge, this variant has not been reported in individuals affected with cardiovascular disorders in the literature. This variant has not been identified in the general population by the Genome Aggregation Database (gnomAD). Loss of FBN1 function is a known mechanism of disease. Based on the available evidence, this variant is classified as Pathogenic.

This study involves interpretation of variants in research participants for the purpose of population health screening. Participant phenotype was not available at the time of variant classification. Additional details can be found in publication PMID: 35346344, PMCID: PMC8962531